The following is an entry in ClinVar:

ClinVar aggregate classification (germline): Benign/Likely benign. Review status: criteria provided, multiple submitters, no conflicts (2 of 4 stars). 6 submissions from 6 submitters: Benign (1); Likely benign (3). 2 of the submissions do not count toward it. Last evaluated 2026-02-01.

Conditions:
Saldino-Mainzer syndrome (SRTD9). Also called: CONORENAL SYNDROME; Renal dysplasia, retinal pigmentary dystrophy, cerebellar ataxia and skeletal dysplasia; SHORT-RIB THORACIC DYSPLASIA 9 WITHOUT POLYDACTYLY; short-rib thoracic dysplasia 9 with or without polydactyly. Identifiers: Orphanet 140969, MedGen C1849437, MONDO:0009964, OMIM 266920.
Retinitis pigmentosa 80 (RP80). Identifiers: MedGen C4540439, MONDO:0054708, OMIM 617781.

Allele frequency attached by ClinVar (database versions not stated): gnomAD exomes 0.00027 and 0.00064; ExAC 0.00079; 1000 Genomes Project 30x 0.00234; 1000 Genomes Project 0.00240; gnomAD 0.00261 and 0.00290; ESP Exome Variant Server 0.00269; TOPMed 0.00309.
gnomAD v4.1: 826 of 1,608,188 alleles (0.051%); highest among the groups gnomAD compares: African/African-American, 0.95%; 9 homozygotes.

Submissions (6):

Labcorp Genetics (formerly Invitae), Labcorp
Classification: Benign for Saldino-Mainzer syndrome. Last evaluated: 2026-02-01. Review status: criteria provided, single submitter. Criteria: Invitae Variant Classification Sherloc (09022015). Collection method: clinical testing. Allele origin: germline.

Blueprint Genetics
Classification: Likely benign. Last evaluated: 2024-11-26. Review status: criteria provided, single submitter. Criteria: ACMG Guidelines, 2015. Collection method: clinical testing. Allele origin: germline.

Fulgent Genetics
Classification: Likely benign for Saldino-Mainzer syndrome; Retinitis pigmentosa 80. Last evaluated: 2021-08-04. Review status: criteria provided, single submitter. Criteria: ACMG Guidelines, 2015. Collection method: clinical testing. Allele origin: unknown.

Illumina Laboratory Services, Illumina
Classification: Likely benign for Saldino-Mainzer syndrome. Last evaluated: 2018-01-13. Review status: criteria provided, single submitter. Criteria: ICSL Variant Classification Criteria 13 December 2019. Collection method: clinical testing. Allele origin: germline.
Comment: This variant was observed in the ICSL laboratory as part of a predisposition screen in an ostensibly healthy population. It had not been previously curated by ICSL or reported in the Human Gene Mutation Database (HGMD: prior to June 1st, 2018), and was therefore a candidate for classification through an automated scoring system. Utilizing variant allele frequency, disease prevalence and penetrance estimates, and inheritance mode, an automated score was calculated to assess if this variant is too frequent to cause the disease. Based on the score and internal cut-off values, a variant classified as likely benign is not then subjected to further curation. The score for this variant resulted in a classification of likely benign for this disease.

Clinical Genetics DNA and cytogenetics Diagnostics Lab, Erasmus MC, Erasmus Medical Center
Classification: Likely benign. Review status: no assertion criteria provided. Collection method: clinical testing. Allele origin: germline. Affected: yes. Study: VKGL Data-share Consensus. Not counted in ClinVar's aggregate classification.

Clinical Genetics, Academic Medical Center
Classification: Benign. Review status: no assertion criteria provided. Collection method: clinical testing. Allele origin: germline. Affected: yes. Study: VKGL Data-share Consensus. Not counted in ClinVar's aggregate classification.

NM_014714.4(IFT140):c.2988T>C (p.Asn996=)

Genes: IFT140 (intraflagellar transport 140; minus strand), LOC126862260 (CDK7 strongly-dependent group 2 enhancer GRCh37_chr16:1574508-1575707; plus strand). Cytogenetic location: 16p13.3.
Variant type: single nucleotide variant.
Coding change: c.2988T>C on transcript NM_014714.4 (MANE Select); coding-DNA position 2988, T replaced by C.
Protein change: p.Asn996=; no amino-acid change (asparagine 996 retained).
Molecular consequence: synonymous variant.
Genome position (GRCh38, 1-based): chr16:1,524,793, A>G on the plus strand (T>C on the coding strand, the complement: IFT140 is on the minus strand). VCF-style: chr16-1524793-A-G. GRCh37 (hg19) VCF-style: chr16-1574794-A-G.
Identifiers: ClinVar variation 465317 (VCV000465317.20), dbSNP rs78178397, ClinGen allele CA7813397.